The following is an entry in ClinVar:

NM_000282.4(PCCA):c.681A>C (p.Lys227Asn)

Gene: PCCA (propionyl-CoA carboxylase subunit alpha; plus strand). Cytogenetic location: 13q32.3.
Variant type: single nucleotide variant.
Coding change: c.681A>C on transcript NM_000282.4 (MANE Select); coding-DNA position 681, A replaced by C.
Protein change: p.Lys227Asn; replaces lysine 227 with asparagine.
Molecular consequence: missense variant. On other transcripts: intron variant (3), non-coding transcript variant (5).
Genome position (GRCh38, 1-based): chr13:100,257,638, A>C. VCF-style: chr13-100257638-A-C. GRCh37 (hg19) VCF-style: chr13-100909892-A-C.
Other names: c.-229-5091A>C (NM_001352611.2, NM_001352612.2, NM_001352610.2); c.603A>C, p.Lys201Asn (NM_001127692.3, NM_001352607.2, NM_001352608.2); c.681A>C, p.Lys227Asn (NM_001178004.2, NM_001352605.2, NM_001352606.2 and 1 more transcripts); c.681A>C (NM_000282.3); short protein forms K201N, K227N.
Identifiers: ClinVar variation 1210447 (VCV001210447.6), dbSNP rs749118295, ClinGen allele CA7033329.

ClinVar aggregate classification (germline): Uncertain significance. Review status: criteria provided, multiple submitters, no conflicts (2 of 4 stars). 3 submissions from 3 submitters: Uncertain significance (3). Last evaluated 2025-10-23.

Conditions:
Propionic acidemia (PROP). Also called: GLYCINEMIA, KETOTIC; HYPERGLYCINEMIA WITH KETOACIDOSIS AND LEUKOPENIA; KETOTIC HYPERGLYCINEMIA. Identifiers: Orphanet 35, MedGen C0268579, MONDO:0011628, OMIM 606054, HP:0003571.
Inborn genetic diseases. Identifiers: MedGen C0950123, MeSH D030342.

Allele frequency attached by ClinVar (database versions not stated): gnomAD exomes below 0.00001 and 0.00001; gnomAD 0.00001; TOPMed 0.00001; ExAC 0.00002.
gnomAD v4.1: 6 of 1,613,756 alleles (0.00037%); highest among the groups gnomAD compares: Admixed American, 0.0017%; no homozygotes.

Submissions (3):

Ambry Genetics
Classification: Uncertain significance for Inborn genetic diseases. Last evaluated: 2025-10-23. Review status: criteria provided, single submitter. Criteria: Ambry Variant Classification Scheme 2023. Collection method: clinical testing. Allele origin: germline.

Labcorp Genetics (formerly Invitae), Labcorp
Classification: Uncertain significance for Propionic acidemia. Last evaluated: 2022-01-27. Review status: criteria provided, single submitter. Criteria: Invitae Variant Classification Sherloc (09022015). Collection method: clinical testing. Allele origin: germline.
Comment: This sequence change replaces lysine, which is basic and polar, with asparagine, which is neutral and polar, at codon 227 of the PCCA protein (p.Lys227Asn). This variant is present in population databases (rs749118295, gnomAD 0.004%). This variant has not been reported in the literature in individuals affected with PCCA-related conditions. ClinVar contains an entry for this variant (Variation ID: 1210447). Advanced modeling of protein sequence and biophysical properties (such as structural, functional, and spatial information, amino acid conservation, physicochemical variation, residue mobility, and thermodynamic stability) performed at Invitae indicates that this missense variant is expected to disrupt PCCA protein function. In summary, the available evidence is currently insufficient to determine the role of this variant in disease. Therefore, it has been classified as a Variant of Uncertain Significance.

Genome-Nilou Lab
Classification: Uncertain significance for Propionic acidemia. Last evaluated: 2021-07-22. Review status: criteria provided, single submitter. Criteria: ACMG Guidelines, 2015. Collection method: clinical testing. Allele origin: germline. Affected: no.